The following is an entry in ClinVar:

NM_005921.2(MAP3K1):c.3667-7T>C

Genes: MAP3K1 (mitogen-activated protein kinase kinase kinase 1; plus strand), LOC126807392 (CDK7 strongly-dependent group 2 enhancer GRCh37_chr5:56178189-56179388; plus strand). Cytogenetic location: 5q11.2.
Variant type: single nucleotide variant.
Coding change: c.3667-7T>C on transcript NM_005921.2 (MANE Select); 7 bases into the intron before coding-DNA position 3667, T replaced by C.
Molecular consequence: intron variant.
Genome position (GRCh38, 1-based): chr5:56,883,520, T>C. VCF-style: chr5-56883520-T-C. GRCh37 (hg19) VCF-style: chr5-56179347-T-C.
Other names: c.3667-7T>C (NM_005921.1).
Identifiers: ClinVar variation 1167482 (VCV001167482.11), dbSNP rs117348142, ClinGen allele CA3273222.

ClinVar aggregate classification (germline): Benign. Review status: criteria provided, single submitter (1 of 4 stars). 2 submissions from 2 submitters: Benign (1). 1 of the submissions does not count toward it. Last evaluated 2022-07-19.

Conditions:
46,XY sex reversal 6. Also called: 46,XY GONADAL DYSGENESIS, PARTIAL OR COMPLETE, MAP3K1-RELATED; 46,XY SEX REVERSAL, PARTIAL OR COMPLETE, MAP3K1-RELATED. Identifiers: MedGen C3151064, MONDO:0013410, OMIM 613762.
MAP3K1-related disorder. Also called: MAP3K1-related condition.

Allele frequency attached by ClinVar (database versions not stated): gnomAD exomes 0.00002 and 0.00008; gnomAD 0.00004 and 0.00005; ExAC 0.00006; TOPMed 0.00006; 1000 Genomes Project 30x 0.00016; 1000 Genomes Project 0.00020.

Submissions (2):

Labcorp Genetics (formerly Invitae), Labcorp
Classification: Benign for 46,XY sex reversal 6. Last evaluated: 2022-07-19. Review status: criteria provided, single submitter. Criteria: Invitae Variant Classification Sherloc (09022015). Collection method: clinical testing. Allele origin: germline.

PreventionGenetics, part of Exact Sciences
Classification: Likely benign for MAP3K1-related condition. Last evaluated: 2020-02-20. Review status: no assertion criteria provided. Collection method: clinical testing. Allele origin: germline. Not counted in ClinVar's aggregate classification.
Comment: This variant is classified as likely benign based on ACMG/AMP sequence variant interpretation guidelines (Richards et al. 2015 PMID: 25741868, with internal and published modifications).